The following is an entry in ClinVar:

NM_170606.3(KMT2C):c.9728T>C (p.Met3243Thr)

Gene: KMT2C (lysine methyltransferase 2C; minus strand). Cytogenetic location: 7q36.1.
Variant type: single nucleotide variant.
Coding change: c.9728T>C on transcript NM_170606.3 (MANE Select); coding-DNA position 9728, T replaced by C.
Protein change: p.Met3243Thr; replaces methionine 3243 with threonine.
Molecular consequence: missense variant.
Genome position (GRCh38, 1-based): chr7:152,167,168, A>G on the plus strand (T>C on the coding strand, the complement: KMT2C is on the minus strand). VCF-style: chr7-152167168-A-G. GRCh37 (hg19) VCF-style: chr7-151864253-A-G.
Other names: short protein forms M3243T.
Identifiers: ClinVar variation 3573793 (VCV003573793.1).

ClinVar aggregate classification (germline): Uncertain significance (1 of 4 stars; one submission).

Submission:

GeneDx
Classification: Uncertain significance. Last evaluated: 2024-07-14. Review status: criteria provided, single submitter. Criteria: GeneDx Variant Classification Process June 2021. Collection method: clinical testing. Allele origin: germline. Affected: yes.
Comment: Not observed at significant frequency in large population cohorts (gnomAD); In silico analysis supports that this missense variant has a deleterious effect on protein structure/function; Has not been previously published as pathogenic or benign to our knowledge